The following is an entry in ClinVar:

ClinVar aggregate classification (germline): Uncertain significance. Review status: criteria provided, multiple submitters, no conflicts (2 of 4 stars). 3 submissions from 3 submitters: Uncertain significance (3). Last evaluated 2025-10-09.

Conditions:
Hereditary cancer-predisposing syndrome. Also called: Hereditary Cancer Syndrome; Tumor predisposition; Neoplastic Syndromes, Hereditary; Hereditary neoplastic syndrome. Identifiers: Orphanet 140162, MedGen C0027672, MeSH D009386, MONDO:0015356.
Gastrointestinal stromal tumor. Also called: Gastrointestinal stromal tumor, somatic; Gastrointestinal stroma tumor. Identifiers: Orphanet 44890, MedGen C0238198, MeSH D046152, MONDO:0011719, OMIM 606764, HP:0100723.

Allele frequency attached by ClinVar (database versions not stated): gnomAD exomes below 0.00001.
gnomAD v4.1: 4 of 1,613,394 alleles (0.00025%); highest among the groups gnomAD compares: Non-Finnish European, 0.00034%; no homozygotes.

Submissions (3):

Ambry Genetics
Classification: Uncertain significance for Hereditary cancer-predisposing syndrome. Last evaluated: 2025-10-09. Review status: criteria provided, single submitter. Criteria: Ambry Variant Classification Scheme 2023. Collection method: clinical testing. Allele origin: germline.
Comment: The p.E925G variant (also known as c.2774A>G), located in coding exon 20 of the KIT gene, results from an A to G substitution at nucleotide position 2774. The glutamic acid at codon 925 is replaced by glycine, an amino acid with similar properties. This amino acid position is highly conserved in available vertebrate species. In addition, the in silico prediction for this alteration is inconclusive. Based on the available evidence, the clinical significance of this variant remains unclear.

Labcorp Genetics (formerly Invitae), Labcorp
Classification: Uncertain significance for Gastrointestinal stromal tumor. Last evaluated: 2025-08-20. Review status: criteria provided, single submitter. Criteria: Invitae Variant Classification Sherloc (09022015). Collection method: clinical testing. Allele origin: germline.
Comment: This sequence change replaces glutamic acid, which is acidic and polar, with glycine, which is neutral and non-polar, at codon 925 of the KIT protein (p.Glu925Gly). This variant is not present in population databases (gnomAD no frequency). This variant has not been reported in the literature in individuals affected with KIT-related conditions. ClinVar contains an entry for this variant (Variation ID: 640436). An algorithm developed to predict the effect of missense changes on protein structure and function (PolyPhen-2) suggests that this variant is likely to be disruptive. In summary, the available evidence is currently insufficient to determine the role of this variant in disease. Therefore, it has been classified as a Variant of Uncertain Significance.

GeneDx
Classification: Uncertain significance. Last evaluated: 2023-07-05. Review status: criteria provided, single submitter. Criteria: GeneDx Variant Classification Process June 2021. Collection method: clinical testing. Allele origin: germline. Affected: yes.
Comment: Not observed at significant frequency in large population cohorts (gnomAD); In silico analysis supports that this missense variant has a deleterious effect on protein structure/function; Has not been previously published as pathogenic or benign to our knowledge

NM_000222.3(KIT):c.2774A>G (p.Glu925Gly)

Gene: KIT (KIT proto-oncogene, receptor tyrosine kinase; plus strand). Cytogenetic location: 4q12.
Variant type: single nucleotide variant.
Coding change: c.2774A>G on transcript NM_000222.3 (MANE Select); coding-DNA position 2774, A replaced by G.
Protein change: p.Glu925Gly; replaces glutamic acid 925 with glycine.
Molecular consequence: missense variant.
Genome position (GRCh38, 1-based): chr4:54,737,252, A>G. VCF-style: chr4-54737252-A-G. GRCh37 (hg19) VCF-style: chr4-55603418-A-G.
Other names: c.2762A>G, p.Glu921Gly (NM_001093772.2, NM_001385292.1); c.2777A>G, p.Glu926Gly (NM_001385284.1); c.2771A>G, p.Glu924Gly (NM_001385285.1); c.2759A>G, p.Glu920Gly (NM_001385286.1); c.2765A>G, p.Glu922Gly (NM_001385288.1); c.2774A>G, p.Glu925Gly (NM_001385290.1); short protein forms E921G, E925G, E920G, E922G, E924G, E926G.
Identifiers: ClinVar variation 640436 (VCV000640436.10), dbSNP rs1578008376, ClinGen allele CA356914507.